The following is an entry in ClinVar:

NM_024503.5(HIVEP3):c.5649G>A (p.Pro1883=)

Gene: HIVEP3 (HIVEP zinc finger 3; minus strand). Cytogenetic location: 1p34.2.
Variant type: single nucleotide variant.
Coding change: c.5649G>A on transcript NM_024503.5 (MANE Select); coding-DNA position 5649, G replaced by A.
Protein change: p.Pro1883=; no amino-acid change (proline 1883 retained).
Molecular consequence: synonymous variant.
Genome position (GRCh38, 1-based): chr1:41,513,572, C>T on the plus strand (G>A on the coding strand, the complement: HIVEP3 is on the minus strand). VCF-style: chr1-41513572-C-T. GRCh37 (hg19) VCF-style: chr1-41979243-C-T.
Other names: c.5649G>A, p.Pro1883= (NM_001127714.3).
Identifiers: ClinVar variation 3034207 (VCV003034207.2), dbSNP rs150644975, ClinGen allele CA797398.

ClinVar aggregate classification (germline): Likely benign (0 of 4 stars; one submission).

Conditions:
HIVEP3-related disorder. Also called: HIVEP3-related condition.

Allele frequency attached by ClinVar (database versions not stated): 1000 Genomes Project 30x 0.00109; 1000 Genomes Project 0.00120; gnomAD 0.00257; TOPMed 0.00297; ESP Exome Variant Server 0.00400.
gnomAD v4.1: 6,594 of 1,612,506 alleles (0.41%); highest among the groups gnomAD compares: Non-Finnish European, 0.51%; 15 homozygotes.

Submission:

PreventionGenetics, part of Exact Sciences
Classification: Likely benign for HIVEP3-related condition. Last evaluated: 2019-10-28. Review status: no assertion criteria provided. Collection method: clinical testing. Allele origin: germline.
Comment: This variant is classified as likely benign based on ACMG/AMP sequence variant interpretation guidelines (Richards et al. 2015 PMID: 25741868, with internal and published modifications).